The following is an entry in ClinVar:

NM_018063.5(HELLS):c.1257T>G (p.Ser419Arg)

Gene: HELLS (helicase, lymphoid specific; plus strand). Cytogenetic location: 10q23.33.
Variant type: single nucleotide variant.
Coding change: c.1257T>G on transcript NM_018063.5 (MANE Select); coding-DNA position 1257, T replaced by G.
Protein change: p.Ser419Arg; replaces serine 419 with arginine.
Molecular consequence: missense variant. On other transcripts: intron variant (2).
Genome position (GRCh38, 1-based): chr10:94,582,990, T>G. VCF-style: chr10-94582990-T-G. GRCh37 (hg19) VCF-style: chr10-96342747-T-G.
Other names: c.1257T>G, p.Ser419Arg (NM_001289067.2); c.1209T>G, p.Ser403Arg (NM_001289068.2); c.1161T>G, p.Ser387Arg (NM_001289069.2); c.885T>G, p.Ser295Arg (NM_001289071.2); c.843T>G, p.Ser281Arg (NM_001289073.2); c.174T>G, p.Ser58Arg (NM_001289074.2); c.39T>G, p.Ser13Arg (NM_001289075.2); c.1033-5239T>G (NM_001289070.2); and 1 more; short protein forms S281R, S419R, S387R, S13R, S403R, S295R, S58R.
Identifiers: ClinVar variation 1493914 (VCV001493914.5), dbSNP rs144298342, ClinGen allele CA5615464.

ClinVar aggregate classification (germline): Uncertain significance (1 of 4 stars; one submission).

Allele frequency attached by ClinVar (database versions not stated): gnomAD exomes below 0.00001 and 0.00001; TOPMed 0.00001; ExAC 0.00002; ESP Exome Variant Server 0.00008.
gnomAD v4.1: 5 of 1,605,850 alleles (0.00031%); highest among the groups gnomAD compares: Admixed American, 0.0017%; no homozygotes.

Submission:

Labcorp Genetics (formerly Invitae), Labcorp
Classification: Uncertain significance. Last evaluated: 2022-08-23. Review status: criteria provided, single submitter. Criteria: Invitae Variant Classification Sherloc (09022015). Collection method: clinical testing. Allele origin: germline.
Comment: This sequence change replaces serine, which is neutral and polar, with arginine, which is basic and polar, at codon 419 of the HELLS protein (p.Ser419Arg). This variant is present in population databases (rs144298342, gnomAD 0.007%). This variant has not been reported in the literature in individuals affected with HELLS-related conditions. ClinVar contains an entry for this variant (Variation ID: 1493914). Algorithms developed to predict the effect of missense changes on protein structure and function are either unavailable or do not agree on the potential impact of this missense change (SIFT: "Deleterious"; PolyPhen-2: "Benign"; Align-GVGD: "Class C0"). In summary, the available evidence is currently insufficient to determine the role of this variant in disease. Therefore, it has been classified as a Variant of Uncertain Significance.